The following is an entry in ClinVar:

ClinVar aggregate classification (germline): Conflicting classifications of pathogenicity. Review status: criteria provided, conflicting classifications (1 of 4 stars). 8 submissions from 6 submitters: Uncertain significance (7); Likely benign (1). Last evaluated 2025-02-17.

Conditions:
Lethal acantholytic epidermolysis bullosa (EBLA). Identifiers: Orphanet 158687, MedGen C1864826, MONDO:0012323, OMIM 609638.
Arrhythmogenic right ventricular dysplasia 8 (ARVD8). Also called: ARRHYTHMOGENIC RIGHT VENTRICULAR CARDIOMYOPATHY 8; Arrhythmogenic Right Ventricular Dysplasia/Cardiomyopathy 8; ARRHYTHMOGENIC RIGHT VENTRICULAR DYSPLASIA, FAMILIAL, 8. Identifiers: MedGen C1843896, MONDO:0011831, OMIM 607450.
Woolly hair-skin fragility syndrome (WHSF). Identifiers: Orphanet 293165, MedGen C1843292, MONDO:0957307, OMIM 620415.
Cardiovascular phenotype. Identifiers: MedGen CN230736.
Arrhythmogenic cardiomyopathy with wooly hair and keratoderma. Also called: Carvajal syndrome; PALMOPLANTAR KERATODERMA WITH LEFT VENTRICULAR CARDIOMYOPATHY AND WOOLLY HAIR; Dilated cardiomyopathy with woolly hair and keratoderma; Arrhythmogenic cardiomyopathy with woolly hair and keratoderma. Identifiers: Orphanet 65282, MedGen C1854063, MONDO:0011581, OMIM 605676.
Cardiomyopathy (CMYO). Also called: Cardiomyopathies. Identifiers: Orphanet 167848, MedGen C0878544, MONDO:0004994, HP:0001638. Inheritance: Various modes of inheritance.

Allele frequency attached by ClinVar (database versions not stated): gnomAD exomes below 0.00001; gnomAD 0.00001; TOPMed 0.00001.
gnomAD v4.1: 8 of 1,614,010 alleles (0.0005%); highest among the groups gnomAD compares: African/African-American, 0.0027%; no homozygotes.

Submissions (8):

Molecular Diagnostic Laboratory for Inherited Cardiovascular Disease, Montreal Heart Institute
Classification: Uncertain significance for Cardiovascular phenotype. Last evaluated: 2025-02-17. Review status: criteria provided, single submitter. Criteria: ACMG Guidelines, 2015. Collection method: clinical testing. Allele origin: germline. Affected: yes.
Comment: PM2, BP4

Labcorp Genetics (formerly Invitae), Labcorp
Classification: Likely benign for Arrhythmogenic cardiomyopathy with wooly hair and keratoderma; Arrhythmogenic right ventricular dysplasia 8. Last evaluated: 2025-02-13. Review status: criteria provided, single submitter. Criteria: Invitae Variant Classification Sherloc (09022015). Collection method: clinical testing. Allele origin: germline.

Color Diagnostics, LLC DBA Color Health
Classification: Uncertain significance for Cardiomyopathy. Last evaluated: 2024-03-06. Review status: criteria provided, single submitter. Criteria: ACMG Guidelines, 2015. Collection method: clinical testing. Allele origin: germline.
Comment: This missense variant replaces alanine with threonine at codon 2760 of the DSP protein. Computational prediction suggests that this variant may not impact protein structure and function (internally defined REVEL score threshold <= 0.5, PMID: 27666373). To our knowledge, functional studies have not been reported for this variant. This variant has not been reported in individuals affected with DSP-related disorders in the literature. This variant has been identified in 1/251320 chromosomes in the general population by the Genome Aggregation Database (gnomAD). The available evidence is insufficient to determine the role of this variant in disease conclusively. Therefore, this variant is classified as a Variant of Uncertain Significance.

Ambry Genetics
Classification: Uncertain significance for Cardiovascular phenotype. Last evaluated: 2023-05-23. Review status: criteria provided, single submitter. Criteria: Ambry Variant Classification Scheme 2023. Collection method: clinical testing. Allele origin: germline.
Comment: The p.A2760T variant (also known as c.8278G>A), located in coding exon 24 of the DSP gene, results from a G to A substitution at nucleotide position 8278. The alanine at codon 2760 is replaced by threonine, an amino acid with similar properties. This amino acid position is not well conserved in available vertebrate species. In addition, this alteration is predicted to be tolerated by in silico analysis. Since supporting evidence is limited at this time, the clinical significance of this alteration remains unclear.

Illumina Laboratory Services, Illumina
Classification: Uncertain significance for Arrhythmogenic cardiomyopathy with wooly hair and keratoderma. Last evaluated: 2018-01-13. Review status: criteria provided, single submitter. Criteria: ICSL Variant Classification Criteria 13 December 2019. Collection method: clinical testing. Allele origin: germline.

Illumina Laboratory Services, Illumina
Classification: Uncertain significance for Lethal acantholytic epidermolysis bullosa. Last evaluated: 2018-01-13. Review status: criteria provided, single submitter. Criteria: ICSL Variant Classification Criteria 13 December 2019. Collection method: clinical testing. Allele origin: germline.

Illumina Laboratory Services, Illumina
Classification: Uncertain significance for Arrhythmogenic right ventricular dysplasia 8. Last evaluated: 2018-01-13. Review status: criteria provided, single submitter. Criteria: ICSL Variant Classification Criteria 13 December 2019. Collection method: clinical testing. Allele origin: germline.

CHEO Genetics Diagnostic Laboratory, Children's Hospital of Eastern Ontario
Classification: Uncertain significance for Cardiomyopathy. Last evaluated: 2017-04-28. Review status: criteria provided, single submitter. Criteria: ACMG Guidelines, 2015. Collection method: clinical testing. Allele origin: germline. Study: Canadian Open Genetics Repository.

NM_004415.4(DSP):c.8278G>A (p.Ala2760Thr)

Gene: DSP (desmoplakin; plus strand). Cytogenetic location: 6p24.3.
Variant type: single nucleotide variant.
Coding change: c.8278G>A on transcript NM_004415.4 (MANE Select); coding-DNA position 8278, G replaced by A.
Protein change: p.Ala2760Thr; replaces alanine 2760 with threonine.
Molecular consequence: missense variant.
Genome position (GRCh38, 1-based): chr6:7,585,540, G>A. VCF-style: chr6-7585540-G-A. GRCh37 (hg19) VCF-style: chr6-7585773-G-A.
Other names: c.8278G>A (LRG_423t1, NM_004415.3); c.6481G>A, p.Ala2161Thr (NM_001008844.3); c.6949G>A, p.Ala2317Thr (NM_001319034.2); short protein forms A2760T, A2317T, A2161T.
Identifiers: ClinVar variation 626496 (VCV000626496.19), dbSNP rs991726607, ClinGen allele CA133977650.